The following is an entry in ClinVar:

NM_015102.5(NPHP4):c.371A>G (p.Gln124Arg)

Gene: NPHP4 (nephrocystin 4; minus strand). Cytogenetic location: 1p36.31.
Variant type: single nucleotide variant.
Coding change: c.371A>G on transcript NM_015102.5 (MANE Select); coding-DNA position 371, A replaced by G.
Protein change: p.Gln124Arg; replaces glutamine 124 with arginine.
Molecular consequence: missense variant. On other transcripts: 5 prime UTR variant (2), non-coding transcript variant (1).
Genome position (GRCh38, 1-based): chr1:5,969,168, T>C on the plus strand (A>G on the coding strand, the complement: NPHP4 is on the minus strand). VCF-style: chr1-5969168-T-C. GRCh37 (hg19) VCF-style: chr1-6029228-T-C.
Other names: c.-859A>G (NM_001291593.2); c.-996A>G (NM_001291594.2); short protein forms Q124R.
Identifiers: ClinVar variation 1004971 (VCV001004971.9), dbSNP rs1652098180, ClinGen allele CA338050335.
Genomic context (GRCh38, chr1:5,969,168, plus strand): 5'-ATAGGAGAGTCCGGCTGGTTGCTGAAGATCCGAAGAATTCCAAACCCACAGGACAATGTC[T>C]GGAGGCTCCCATCCCGTTTCTTGCCCTCAGCGACCACTTCCACCACAGCCACGATATGAG-3'
Protein context (NP_055917.1, residues 114-134): AEGKKRDGSL[Gln124Arg]TLSCGFGILR

ClinVar aggregate classification (germline): Uncertain significance (1 of 4 stars; one submission).

Conditions:
Nephronophthisis. Also called: Juvenile Nephronophthisis. Identifiers: Orphanet 655, MedGen C0687120, MONDO:0019005, HP:0000090.

Submission:

Labcorp Genetics (formerly Invitae), Labcorp
Classification: Uncertain significance for Nephronophthisis. Last evaluated: 2020-01-06. Review status: criteria provided, single submitter. Criteria: Invitae Variant Classification Sherloc (09022015). Collection method: clinical testing. Allele origin: germline.
Comment: In summary, the available evidence is currently insufficient to determine the role of this variant in disease. Therefore, it has been classified as a Variant of Uncertain Significance. Algorithms developed to predict the effect of missense changes on protein structure and function (SIFT, PolyPhen-2, Align-GVGD) all suggest that this variant is likely to be tolerated, but these predictions have not been confirmed by published functional studies and their clinical significance is uncertain. This variant has not been reported in the literature in individuals with NPHP4-related conditions. This variant is not present in population databases (ExAC no frequency). This sequence change replaces glutamine with arginine at codon 124 of the NPHP4 protein (p.Gln124Arg). The glutamine residue is moderately conserved and there is a small physicochemical difference between glutamine and arginine.